The following is an entry in ClinVar:

ClinVar aggregate classification (germline): Pathogenic (1 of 4 stars; one submission).

Submission:

Labcorp Genetics (formerly Invitae), Labcorp
Classification: Pathogenic. Last evaluated: 2018-08-29. Review status: criteria provided, single submitter. Criteria: Invitae Variant Classification Sherloc (09022015). Collection method: clinical testing. Allele origin: germline.
Comment: For these reasons, this variant has been classified as Pathogenic. This sequence change creates a premature translational stop signal (p.Thr76Glnfs*60) in the CPOX gene. It is expected to result in an absent or disrupted protein product. The frequency data for this variant in the population databases is considered unreliable, as metrics indicate insufficient coverage at this position in the ExAC database. This variant has not been reported in the literature in individuals with CPOX-related disease. Loss-of-function variants in CPOX are known to be pathogenic (PMID: 9888388).

Literature cited by the submitters: PubMed 9888388.

NM_000097.7(CPOX):c.225del (p.Thr76fs)

Genes: CPOX (coproporphyrinogen oxidase; minus strand), LOC129937121 (ATAC-STARR-seq lymphoblastoid silent region 14560; plus strand). Cytogenetic location: 3q11.2.
Variant type: Deletion.
Coding change: c.225del on transcript NM_000097.7 (MANE Select); coding-DNA position 225, one base deleted (G; older notation c.225delG).
Protein change: p.Thr76fs; shifts the reading frame from threonine 76.
Molecular consequence: frameshift variant.
Genome position (GRCh38, 1-based): chr3:98,593,280, C deleted on the plus strand (G on the coding strand, the reverse complement: CPOX is on the minus strand); the first of 4 consecutive C bases (chr3:98,593,280-98,593,283); deleting any one gives the same sequence. VCF-style (leftmost placement, unchanged base first): chr3-98593279-TC-T. GRCh37 (hg19) VCF-style: chr3-98312123-TC-T.
Other names: short protein forms T76fs.
Identifiers: ClinVar variation 650602 (VCV000650602.6), dbSNP rs1576306935, ClinGen allele CA915941519.